The following is an entry in ClinVar:

NM_007294.4(BRCA1):c.5316C>A (p.Phe1772Leu)

Gene: BRCA1 (BRCA1 DNA repair associated; minus strand). Cytogenetic location: 17q21.31.
Variant type: single nucleotide variant.
Coding change: c.5316C>A on transcript NM_007294.4 (MANE Select); coding-DNA position 5316, C replaced by A.
Protein change: p.Phe1772Leu; replaces phenylalanine 1772 with leucine.
Molecular consequence: missense variant. On other transcripts: non-coding transcript variant (1).
Genome position (GRCh38, 1-based): chr17:43,051,079, G>T on the plus strand (C>A on the coding strand, the complement: BRCA1 is on the minus strand). VCF-style: chr17-43051079-G-T. GRCh37 (hg19) VCF-style: chr17-41203096-G-T.
Other names: c.2070C>A, p.Phe690Leu (NM_001407972.1); c.2007C>A, p.Phe669Leu (NM_001407973.1, NM_001407974.1, NM_001407975.1 and 3 more transcripts); c.2004C>A, p.Phe668Leu (NM_001407979.1, NM_001407980.1, NM_007298.4 and 13 more transcripts); c.2001C>A, p.Phe667Leu (NM_001408392.1, NM_001408396.1, NM_001408397.1 and 8 more transcripts); c.1926C>A, p.Phe642Leu (NM_001408415.1, NM_001408416.1, NM_001408412.1 and 2 more transcripts); c.1890C>A, p.Phe630Leu (NM_001408418.1, NM_001408419.1, NM_001408420.1); c.1887C>A, p.Phe629Leu (NM_001408421.1, NM_001408422.1, NM_001408423.1 and 1 more transcripts); c.1881C>A, p.Phe627Leu (NM_001408435.1, NM_001408436.1, NM_001408437.1 and 10 more transcripts); and 72 more; short protein forms F1772L, F1725L, F668L, F1793L, F1643L, F1660L, F1682L, F1683L.
Identifiers: ClinVar variation 865298 (VCV000865298.3), dbSNP rs2051200680, ClinGen allele CA10590919.

Conditions:
Breast-ovarian cancer, familial, susceptibility to, 1 (BROVCA1). Also called: BRCA1 Hereditary Breast and Ovarian Cancer; OVARIAN CANCER, SUSCEPTIBILITY TO. Identifiers: Orphanet 145, MedGen C2676676, MONDO:0011450, OMIM 604370. Disease mechanism: loss of function.

Submission:

Brotman Baty Institute, University of Washington
No classification provided (evidence only). Condition: Breast-ovarian cancer, familial 1. Review status: no classification provided. Collection method: in vitro. Allele origin: not applicable. Functional consequence: functionally_normal.
ClinVar note: "not provided" was previously submitted as the classification for the variant. However, the classification appeared to be based only on an observation of functional data so it was converted to no classification on 2025-07-30.